The following is an entry in ClinVar:

ClinVar aggregate classification (germline): Conflicting classifications of pathogenicity. Review status: criteria provided, conflicting classifications (1 of 4 stars). 2 submissions from 2 submitters: Likely pathogenic (1); Uncertain significance (1). Last evaluated 2026-05-12.

Conditions:
RASopathy. Also called: rasopathies; Noonan spectrum disorder. Identifiers: Orphanet 536391, MedGen C5555857, MONDO:0021060.
Cardiovascular phenotype. Identifiers: MedGen CN230736.

Submissions (2):

Ambry Genetics
Classification: Uncertain significance for Cardiovascular phenotype. Last evaluated: 2026-05-12. Review status: criteria provided, single submitter. Criteria: Ambry Variant Classification Scheme 2023. Collection method: clinical testing. Allele origin: germline.
Comment: The p.Y702S variant (also known as c.2105A>C), located in coding exon 13 of the SOS1 gene, results from an A to C substitution at nucleotide position 2105. The tyrosine at codon 702 is replaced by serine, an amino acid with dissimilar properties. This amino acid position is highly conserved in available vertebrate species. In addition, this alteration is predicted to be deleterious by in silico analysis. Based on the available evidence, the clinical significance of this variant remains unclear.

Labcorp Genetics (formerly Invitae), Labcorp
Classification: Likely pathogenic for RASopathy. Last evaluated: 2023-06-02. Review status: criteria provided, single submitter. Criteria: Invitae Variant Classification Sherloc (09022015). Collection method: clinical testing. Allele origin: germline.
Comment: In summary, the currently available evidence indicates that the variant is pathogenic, but additional data are needed to prove that conclusively. Therefore, this variant has been classified as Likely Pathogenic. This variant disrupts the p.Tyr702 amino acid residue in SOS1. Other variant(s) that disrupt this residue have been determined to be pathogenic (PMID: 17143282, 17586837, 20683980, 22190897, 23885229, 25862627). This suggests that this residue is clinically significant, and that variants that disrupt this residue are likely to be disease-causing. Advanced modeling of protein sequence and biophysical properties (such as structural, functional, and spatial information, amino acid conservation, physicochemical variation, residue mobility, and thermodynamic stability) performed at Invitae indicates that this missense variant is expected to disrupt SOS1 protein function. This variant has not been reported in the literature in individuals affected with SOS1-related conditions. This variant is not present in population databases (gnomAD no frequency). This sequence change replaces tyrosine, which is neutral and polar, with serine, which is neutral and polar, at codon 702 of the SOS1 protein (p.Tyr702Ser).

Literature cited by the submitters: PubMed 17143282 (cited by Labcorp Genetics (formerly Invitae), Labcorp); PubMed 17586837 (cited by Labcorp Genetics (formerly Invitae), Labcorp); PubMed 20683980 (cited by Labcorp Genetics (formerly Invitae), Labcorp); PubMed 22190897 (cited by Labcorp Genetics (formerly Invitae), Labcorp); PubMed 23885229 (cited by Labcorp Genetics (formerly Invitae), Labcorp); PubMed 25862627 (cited by Labcorp Genetics (formerly Invitae), Labcorp).

NM_005633.4(SOS1):c.2105A>C (p.Tyr702Ser)

Gene: SOS1 (SOS Ras/Rac guanine nucleotide exchange factor 1; minus strand). Cytogenetic location: 2p22.1.
Variant type: single nucleotide variant.
Coding change: c.2105A>C on transcript NM_005633.4 (MANE Select); coding-DNA position 2105, A replaced by C.
Protein change: p.Tyr702Ser; replaces tyrosine 702 with serine.
Molecular consequence: missense variant.
Genome position (GRCh38, 1-based): chr2:39,013,522, T>G on the plus strand (A>C on the coding strand, the complement: SOS1 is on the minus strand). VCF-style: chr2-39013522-T-G. GRCh37 (hg19) VCF-style: chr2-39240663-T-G.
Other names: c.2084A>C, p.Tyr695Ser (NM_001382394.1); c.2105A>C, p.Tyr702Ser (NM_001382395.1); short protein forms Y695S, Y702S.
Identifiers: ClinVar variation 2895099 (VCV002895099.4), dbSNP rs757094189, ClinGen allele CA346364638.